The following is an entry in ClinVar:

NM_015072.5(TTLL5):c.2603-4A>G

Gene: TTLL5 (tubulin tyrosine ligase like 5; plus strand). Cytogenetic location: 14q24.3.
Variant type: single nucleotide variant.
Coding change: c.2603-4A>G on transcript NM_015072.5 (MANE Select); 4 bases into the intron before coding-DNA position 2603, A replaced by G.
Molecular consequence: intron variant.
Genome position (GRCh38, 1-based): chr14:75,783,143, A>G. VCF-style: chr14-75783143-A-G. GRCh37 (hg19) VCF-style: chr14-76249486-A-G.
Other names: c.2603-4A>G (NM_015072.4).
Identifiers: ClinVar variation 1164985 (VCV001164985.12), dbSNP rs550463902, ClinGen allele CA7279780.

ClinVar aggregate classification (germline): Conflicting classifications of pathogenicity. Review status: criteria provided, conflicting classifications (1 of 4 stars). 4 submissions from 4 submitters: Uncertain significance (1); Benign (2); Likely benign (1). Last evaluated 2025-09-10.

Conditions:
TTLL5-related disorder. Also called: TTLL5-related condition.
Cone-rod dystrophy 19 (CORD19). Identifiers: Orphanet 1872, MedGen C4014501, MONDO:0014372, OMIM 615860.

Allele frequency attached by ClinVar (database versions not stated): TOPMed below 0.00001; gnomAD 0.00001 and 0.00006; gnomAD exomes 0.00011 and 0.00025; 1000 Genomes Project 30x 0.00047; 1000 Genomes Project 0.00060.
gnomAD v4.1: 171 of 1,596,424 alleles (0.011%); highest among the groups gnomAD compares: South Asian, 0.18%; 1 homozygote.

Submissions (4):

Genomic Medicine Center of Excellence, King Faisal Specialist Hospital and Research Centre
Classification: Benign for Cone-rod dystrophy 19. Last evaluated: 2025-09-10. Review status: criteria provided, single submitter. Criteria: ACMG Guidelines, 2015. Collection method: clinical testing. Allele origin: germline.

PreventionGenetics, part of Exact Sciences
Classification: Likely benign for TTLL5-related condition. Last evaluated: 2025-05-28. Review status: criteria provided, single submitter. Criteria: ACMG Guidelines, 2015. Collection method: clinical testing. Allele origin: germline.
Comment: This variant is classified as likely benign based on ACMG/AMP sequence variant interpretation guidelines (Richards et al. 2015 PMID: 25741868, with internal and published modifications).

Blueprint Genetics
Classification: Uncertain significance. Last evaluated: 2024-10-01. Review status: criteria provided, single submitter. Criteria: ACMG Guidelines, 2015. Collection method: clinical testing. Allele origin: germline.

Labcorp Genetics (formerly Invitae), Labcorp
Classification: Benign. Last evaluated: 2024-05-27. Review status: criteria provided, single submitter. Criteria: Invitae Variant Classification Sherloc (09022015). Collection method: clinical testing. Allele origin: germline.